The following is an entry in ClinVar:

NM_203447.4(DOCK8):c.3302G>A (p.Cys1101Tyr)

Gene: DOCK8 (dedicator of cytokinesis 8; plus strand). Cytogenetic location: 9p24.3.
Variant type: single nucleotide variant.
Coding change: c.3302G>A on transcript NM_203447.4 (MANE Select); coding-DNA position 3302, G replaced by A.
Protein change: p.Cys1101Tyr; replaces cysteine 1101 with tyrosine.
Molecular consequence: missense variant.
Genome position (GRCh38, 1-based): chr9:404,985, G>A. VCF-style: chr9-404985-G-A. GRCh37 (hg19) VCF-style: chr9-404985-G-A.
Other names: c.3002G>A, p.Cys1001Tyr (NM_001190458.2); c.3098G>A, p.Cys1033Tyr (NM_001193536.2); short protein forms C1001Y, C1033Y, C1101Y.
Identifiers: ClinVar variation 3350493 (VCV003350493.2).
Genomic context (GRCh38, chr9:404,985, plus strand): 5'-CCAAGCTCAGTAACCTTCCAACGCTCATTTCCATGAGGCTAGAGTTCCTGAGAATCCTCT[G>A]TAGCCATGAGCATTACCTCAATCTGAACCTTTTTTTTATGAATGCTGATACTGCTCCAAC-3'
Protein context (NP_982272.2, residues 1091-1111): SMRLEFLRIL[Cys1101Tyr]SHEHYLNLNL

ClinVar aggregate classification (germline): Uncertain significance. Review status: criteria provided, single submitter (1 of 4 stars). 2 submissions from 2 submitters: Uncertain significance (1). 1 of the submissions does not count toward it. Last evaluated 2025-12-10.

Conditions:
DOCK8-related disorder. Also called: DOCK8-related condition.
Combined immunodeficiency due to DOCK8 deficiency (HIES2). Also called: HIES autosomal recessive; HYPER-IgE SYNDROME 2, AUTOSOMAL RECESSIVE, WITH RECURRENT INFECTIONS; DOCK8 Deficiency; Hyper-IgE recurrent infection syndrome, autosomal recessive; HYPER-IgE RECURRENT INFECTION SYNDROME 2, AUTOSOMAL RECESSIVE. Identifiers: Orphanet 217390, MedGen C4722305, MONDO:0009478, OMIM 243700.

gnomAD v4.1: 30 of 1,613,914 alleles (0.0019%); highest among the groups gnomAD compares: Non-Finnish European, 0.0025%; no homozygotes.

Submissions (2):

Labcorp Genetics (formerly Invitae), Labcorp
Classification: Uncertain significance for Combined immunodeficiency due to DOCK8 deficiency. Last evaluated: 2025-12-10. Review status: criteria provided, single submitter. Criteria: Invitae Variant Classification Sherloc (09022015). Collection method: clinical testing. Allele origin: germline.
Comment: This sequence change replaces cysteine, which is neutral and slightly polar, with tyrosine, which is neutral and polar, at codon 1101 of the DOCK8 protein (p.Cys1101Tyr). This variant is present in population databases (rs777525499, gnomAD 0.004%). This variant has not been reported in the literature in individuals affected with DOCK8-related conditions. ClinVar contains an entry for this variant (Variation ID: 3350493). Invitae Evidence Modeling of protein sequence and biophysical properties (such as structural, functional, and spatial information, amino acid conservation, physicochemical variation, residue mobility, and thermodynamic stability) indicates that this missense variant is expected to disrupt DOCK8 protein function with a positive predictive value of 80%. In summary, the available evidence is currently insufficient to determine the role of this variant in disease. Therefore, it has been classified as a Variant of Uncertain Significance.

PreventionGenetics, part of Exact Sciences
Classification: Uncertain significance for DOCK8-related condition. Last evaluated: 2024-06-11. Review status: no assertion criteria provided. Collection method: clinical testing. Allele origin: germline. Not counted in ClinVar's aggregate classification.
Comment: The DOCK8 c.3302G>A variant is predicted to result in the amino acid substitution p.Cys1101Tyr. To our knowledge, this variant has not been reported in the literature. This variant is reported in 0.0044% of alleles in individuals of European (Non-Finnish) descent in gnomAD. At this time, the clinical significance of this variant is uncertain due to the absence of conclusive functional and genetic evidence.